The following is an entry in ClinVar:

ClinVar aggregate classification (germline): Uncertain significance. Review status: criteria provided, multiple submitters, no conflicts (2 of 4 stars). 2 submissions from 2 submitters: Uncertain significance (2). Last evaluated 2023-10-02.

Conditions:
SBF1-related disorder. Also called: SBF1-related condition.

Allele frequency attached by ClinVar (database versions not stated): gnomAD 0.00001; gnomAD exomes 0.00001; TOPMed 0.00001.

Submissions (2):

PreventionGenetics, part of Exact Sciences
Classification: Uncertain significance for SBF1-related condition. Last evaluated: 2023-10-02. Review status: criteria provided, single submitter. Criteria: ACMG Guidelines, 2015. Collection method: clinical testing. Allele origin: germline.
Comment: The SBF1 c.5134G>A variant is predicted to result in the amino acid substitution p.Gly1712Ser. To our knowledge, this variant has not been reported in the literature or in a large population database, indicating this variant is rare. At this time, the clinical significance of this variant is uncertain due to the absence of conclusive functional and genetic evidence.

Labcorp Genetics (formerly Invitae), Labcorp
Classification: Uncertain significance. Last evaluated: 2023-03-21. Review status: criteria provided, single submitter. Criteria: Invitae Variant Classification Sherloc (09022015). Collection method: clinical testing. Allele origin: germline.
Comment: This sequence change replaces glycine, which is neutral and non-polar, with serine, which is neutral and polar, at codon 1712 of the SBF1 protein (p.Gly1712Ser). This variant is not present in population databases (gnomAD no frequency). In summary, the available evidence is currently insufficient to determine the role of this variant in disease. Therefore, it has been classified as a Variant of Uncertain Significance. Advanced modeling of protein sequence and biophysical properties (such as structural, functional, and spatial information, amino acid conservation, physicochemical variation, residue mobility, and thermodynamic stability) performed at Invitae indicates that this missense variant is not expected to disrupt SBF1 protein function. This variant has not been reported in the literature in individuals affected with SBF1-related conditions.

NM_002972.4(SBF1):c.5134G>A (p.Gly1712Ser)

Gene: SBF1 (SET binding factor 1; minus strand). Cytogenetic location: 22q13.33.
Variant type: single nucleotide variant.
Coding change: c.5134G>A on transcript NM_002972.4 (MANE Select); coding-DNA position 5134, G replaced by A.
Protein change: p.Gly1712Ser; replaces glycine 1712 with serine.
Molecular consequence: missense variant.
Genome position (GRCh38, 1-based): chr22:50,448,560, C>T on the plus strand (G>A on the coding strand, the complement: SBF1 is on the minus strand). VCF-style: chr22-50448560-C-T. GRCh37 (hg19) VCF-style: chr22-50886989-C-T.
Other names: c.5134G>A, p.Gly1712Ser (NM_197971.1); c.5137G>A, p.Gly1713Ser (NM_001410794.1); c.5056G>A, p.Gly1686Ser (NM_001410795.1); c.5059G>A, p.Gly1687Ser (NM_001365819.1); short protein forms G1686S, G1687S, G1712S, G1713S.
Identifiers: ClinVar variation 2633090 (VCV002633090.4), dbSNP rs1375222204, ClinGen allele CA412187673.